The following is an entry in ClinVar:

ClinVar aggregate classification (germline): Likely benign (1 of 4 stars; one submission).

Conditions:
KIDINS220-related disorder. Also called: KIDINS220-related condition.

Submission:

PreventionGenetics, part of Exact Sciences
Classification: Likely benign for KIDINS220-related condition. Last evaluated: 2025-01-06. Review status: criteria provided, single submitter. Criteria: ACMG Guidelines, 2015. Collection method: clinical testing. Allele origin: germline.
Comment: This variant is classified as likely benign based on ACMG/AMP sequence variant interpretation guidelines (Richards et al. 2015 PMID: 25741868, with internal and published modifications).

NM_020738.4(KIDINS220):c.3978C>T (p.Leu1326=)

Gene: KIDINS220 (kinase D interacting substrate 220; minus strand). Cytogenetic location: 2p25.1.
Variant type: single nucleotide variant.
Coding change: c.3978C>T on transcript NM_020738.4 (MANE Select); coding-DNA position 3978, C replaced by T.
Protein change: p.Leu1326=; no amino-acid change (leucine 1326 retained).
Molecular consequence: synonymous variant. On other transcripts: non-coding transcript variant (2).
Genome position (GRCh38, 1-based): chr2:8,733,519, G>A on the plus strand (C>T on the coding strand, the complement: KIDINS220 is on the minus strand). VCF-style: chr2-8733519-G-A. GRCh37 (hg19) VCF-style: chr2-8873649-G-A.
Other names: c.3981C>T, p.Leu1327= (NM_001348729.2); c.3924C>T, p.Leu1308= (NM_001348731.2); c.3921C>T, p.Leu1307= (NM_001348732.2, NM_001348738.2); c.3810C>T, p.Leu1270= (NM_001348734.2, NM_001348739.2, NM_001348740.2); c.3807C>T, p.Leu1269= (NM_001348735.2, NM_001348741.2, NM_001348742.2 and 1 more transcripts); c.3681C>T, p.Leu1227= (NM_001348736.2).
Identifiers: ClinVar variation 5002595 (VCV005002595.1).